The following is an entry in ClinVar:

ClinVar aggregate classification (germline): Uncertain significance. Review status: criteria provided, multiple submitters, no conflicts (2 of 4 stars). 3 submissions from 3 submitters: Uncertain significance (3). Last evaluated 2025-01-10.

Conditions:
Hereditary cancer-predisposing syndrome. Also called: Tumor predisposition; Neoplastic Syndromes, Hereditary; Hereditary Cancer Syndrome; Hereditary neoplastic syndrome. Identifiers: Orphanet 140162, MedGen C0027672, MeSH D009386, MONDO:0015356.
Multiple endocrine neoplasia, type 2 (MEN2). Identifiers: Orphanet 653, MedGen C4048306, MONDO:0019003. Disease mechanism: gain of function.

Allele frequency attached by ClinVar (database versions not stated): TOPMed below 0.00001 and 0.00001; gnomAD 0.00001.
gnomAD v4.1: 1 of 1,606,750 alleles (0.000062%); highest among the groups gnomAD compares: Non-Finnish European, 0.000085%; no homozygotes.

Submissions (3):

Ambry Genetics
Classification: Uncertain significance for Hereditary cancer-predisposing syndrome. Last evaluated: 2025-01-10. Review status: criteria provided, single submitter. Criteria: Ambry Variant Classification Scheme 2023. Collection method: clinical testing. Allele origin: germline.
Comment: The p.E632G variant (also known as c.1895A>G), located in coding exon 11 of the RET gene, results from an A to G substitution at nucleotide position 1895. The glutamic acid at codon 632 is replaced by glycine, an amino acid with similar properties. This variant was reported in individual(s) with pheochromocytoma (Scollo C et al. Endocr J, 2016 Oct;63:87-91). This amino acid position is not well conserved in available vertebrate species. In addition, the in silico prediction for this alteration is inconclusive. Based on the available evidence, the clinical significance of this variant remains unclear.

Labcorp Genetics (formerly Invitae), Labcorp
Classification: Uncertain significance for Multiple endocrine neoplasia, type 2. Last evaluated: 2024-11-09. Review status: criteria provided, single submitter. Criteria: Invitae Variant Classification Sherloc (09022015). Collection method: clinical testing. Allele origin: germline.
Comment: This sequence change replaces glutamic acid, which is acidic and polar, with glycine, which is neutral and non-polar, at codon 632 of the RET protein (p.Glu632Gly). This variant is not present in population databases (gnomAD no frequency). This missense change has been observed in individual(s) with pheochromocytoma (PMID: 26497911). ClinVar contains an entry for this variant (Variation ID: 1707858). An algorithm developed to predict the effect of missense changes on protein structure and function (PolyPhen-2) suggests that this variant is likely to be tolerated. In summary, the available evidence is currently insufficient to determine the role of this variant in disease. Therefore, it has been classified as a Variant of Uncertain Significance.

GeneDx
Classification: Uncertain significance. Last evaluated: 2022-03-24. Review status: criteria provided, single submitter. Criteria: GeneDx Variant Classification Process June 2021. Collection method: clinical testing. Allele origin: germline. Affected: yes.
Comment: Not observed at significant frequency in large population cohorts (gnomAD); In silico analysis supports that this missense variant does not alter protein structure/function; Observed in an individual with isolated pheochromocytoma (Scollo et al., 2016); This variant is associated with the following publications: (PMID: 14633923, 26497911)

Literature cited by the submitters: PubMed 26497911 (cited by Ambry Genetics and Labcorp Genetics (formerly Invitae), Labcorp).

NM_020975.6(RET):c.1895A>G (p.Glu632Gly)

Gene: RET (ret proto-oncogene; plus strand). Cytogenetic location: 10q11.21.
Variant type: single nucleotide variant.
Coding change: c.1895A>G on transcript NM_020975.6 (MANE Select); coding-DNA position 1895, A replaced by G.
Protein change: p.Glu632Gly; replaces glutamic acid 632 with glycine.
Molecular consequence: missense variant.
Genome position (GRCh38, 1-based): chr10:43,114,495, A>G. VCF-style: chr10-43114495-A-G. GRCh37 (hg19) VCF-style: chr10-43609943-A-G.
Other names: c.1895A>G, p.Glu632Gly (NM_000323.2, NM_001406743.1, NM_001406744.1 and 4 more transcripts); c.1133A>G, p.Glu378Gly (NM_001355216.2); c.1766A>G, p.Glu589Gly (NM_001406761.1, NM_001406762.1, NM_001406764.1); c.1607A>G, p.Glu536Gly (NM_001406766.1, NM_001406767.1, NM_001406770.1); c.1499A>G, p.Glu500Gly (NM_001406769.1, NM_001406772.1); c.1457A>G, p.Glu486Gly (NM_001406771.1, NM_001406773.1); c.1370A>G, p.Glu457Gly (NM_001406774.1); c.1169A>G, p.Glu390Gly (NM_001406775.1, NM_001406776.1, NM_001406777.1 and 1 more transcripts); and 7 more; short protein forms E632G, E378G, E237G, E457G, E290G, E293G, E302G, E390G.
Identifiers: ClinVar variation 1707858 (VCV001707858.5), dbSNP rs1335705237, ClinGen allele CA376552905.